The following is an entry in ClinVar:

ClinVar aggregate classification (germline): Conflicting classifications of pathogenicity. Review status: criteria provided, conflicting classifications (1 of 4 stars). 2 submissions from 2 submitters: Uncertain significance (1); Likely benign (1). Last evaluated 2023-12-14.

Conditions:
Hereditary cancer-predisposing syndrome. Also called: Neoplastic Syndromes, Hereditary; Tumor predisposition; Hereditary neoplastic syndrome; Hereditary Cancer Syndrome. Identifiers: Orphanet 140162, MedGen C0027672, MeSH D009386, MONDO:0015356.

Submissions (2):

Ambry Genetics
Classification: Uncertain significance for Hereditary cancer-predisposing syndrome. Last evaluated: 2023-12-14. Review status: criteria provided, single submitter. Criteria: Ambry Variant Classification Scheme 2023. Collection method: clinical testing. Allele origin: germline.
Comment: The p.K1104N variant (also known as c.3312G>C), located in coding exon 9 of the BRCA1 gene, results from a G to C substitution at nucleotide position 3312. The lysine at codon 1104 is replaced by asparagine, an amino acid with similar properties. This amino acid position is not well conserved in available vertebrate species. In addition, this alteration is predicted to be tolerated by in silico analysis. Since supporting evidence is limited at this time, the clinical significance of this alteration remains unclear.

University of Washington Department of Laboratory Medicine, University of Washington
Classification: Likely benign for Hereditary cancer-predisposing syndrome. Last evaluated: 2023-03-23. Review status: criteria provided, single submitter. Criteria: Dines et al. (Genet Med. 2020). Collection method: curation. Allele origin: germline.
Comment: Missense variant in a coldspot region where missense variants are very unlikely to be pathogenic (PMID:31911673).

BRCA1 coldspot (exon 11 using historical exon numbering). Reclassification based on statistical prior probability

NM_007294.4(BRCA1):c.3312G>C (p.Lys1104Asn)

Genes: BRCA1 (BRCA1 DNA repair associated; minus strand), LOC126862571 (BRD4-independent group 4 enhancer GRCh37_chr17:41243136-41244335; plus strand). Cytogenetic location: 17q21.31.
Variant type: single nucleotide variant.
Coding change: c.3312G>C on transcript NM_007294.4 (MANE Select); coding-DNA position 3312, G replaced by C.
Protein change: p.Lys1104Asn; replaces lysine 1104 with asparagine.
Molecular consequence: missense variant. On other transcripts: intron variant (137).
Genome position (GRCh38, 1-based): chr17:43,092,219, C>G on the plus strand (G>C on the coding strand, the complement: BRCA1 is on the minus strand). VCF-style: chr17-43092219-C-G. GRCh37 (hg19) VCF-style: chr17-41244236-C-G.
Other names: c.3312G>C, p.Lys1104Asn (NM_001407585.1, NM_001407581.1, NM_001407582.1 and 30 more transcripts); c.3189G>C, p.Lys1063Asn (NM_001407676.1, NM_001407677.1, NM_001407678.1 and 19 more transcripts); c.788-80G>C (NM_001407969.1, NM_001407968.1); c.521-1187G>C (NM_001408503.1, NM_001408505.1, NM_001408504.1); c.644-1187G>C (NM_001408468.1, NM_001408470.1, NM_001408464.1 and 3 more transcripts); c.524-1187G>C (NM_001408501.1, NM_001408500.1, NM_001408498.1 and 3 more transcripts); c.578-1187G>C (NM_001408513.1, NM_001408492.1, NM_001408481.1 and 9 more transcripts); c.647-1187G>C (NM_001408455.1, NM_001408458.1, NM_001408469.1 and 11 more transcripts); and 41 more; short protein forms K1104N, K1057N, K1033N, K1101N, K1034N, K1056N, K1062N, K1063N.
Identifiers: ClinVar variation 823561 (VCV000823561.7), dbSNP rs876659024, ClinGen allele CA10595363.
Genomic context (GRCh38, chr17:43,092,219, plus strand): 5'-GAAATCTGTATTAACAGTCTGAACTACTTCTTCATATTCTTGCTTTTTTATTTCAGGATG[C>G]TTACAATTACTTCCAGGAAGACTTTGTTTATAGACCTCAGGTTGCAAAACCCCTAATCTA-3'
Protein context (NP_009225.1, residues 1094-1114): YKQSLPGSNC[Lys1104Asn]HPEIKKQEYE